The following is an entry in ClinVar:

NM_001029883.3(PCARE):c.258del (p.Asp88fs)

Gene: PCARE (photoreceptor cilium actin regulator; minus strand). Cytogenetic location: 2p23.2.
Variant type: Deletion.
Coding change: c.258del on transcript NM_001029883.3 (MANE Select); coding-DNA position 258, one base deleted (G; older notation c.258delG).
Protein change: p.Asp88fs; shifts the reading frame from aspartic acid 88.
Molecular consequence: frameshift variant.
Genome position (GRCh38, 1-based): chr2:29,074,004, C deleted on the plus strand (G on the coding strand, the reverse complement: PCARE is on the minus strand); the first of 2 consecutive C bases (chr2:29,074,004-29,074,005); deleting either gives the same sequence. VCF-style (leftmost placement, unchanged base first): chr2-29074003-TC-T. GRCh37 (hg19) VCF-style: chr2-29296869-TC-T.
Other names: short protein forms D88fs.
Identifiers: ClinVar variation 2890078 (VCV002890078.3), dbSNP rs1425908106, ClinGen allele CA531766680.

ClinVar aggregate classification (germline): Pathogenic (1 of 4 stars; one submission).

Submission:

Labcorp Genetics (formerly Invitae), Labcorp
Classification: Pathogenic. Last evaluated: 2022-12-22. Review status: criteria provided, single submitter. Criteria: Invitae Variant Classification Sherloc (09022015). Collection method: clinical testing. Allele origin: germline.
Comment: For these reasons, this variant has been classified as Pathogenic. This variant has not been reported in the literature in individuals affected with PCARE-related conditions. This variant is present in population databases (no rsID available, gnomAD 0.0009%). This sequence change creates a premature translational stop signal (p.Asp88Ilefs*5) in the PCARE gene. It is expected to result in an absent or disrupted protein product. Loss-of-function variants in PCARE are known to be pathogenic (PMID: 20398886, 24339724, 26496393).

Literature cited by the submitters: PubMed 20398886; PubMed 24339724; PubMed 26496393.